The following is an entry in ClinVar:

ClinVar aggregate classification (germline): Uncertain significance (1 of 4 stars; one submission).

Conditions:
Koolen-de Vries syndrome (KDVS). Identifiers: Orphanet 96169, MedGen C1864871, MONDO:0012496, OMIM 610443.

gnomAD v4.1: 1 of 1,613,380 alleles (0.000062%); no homozygotes.

Submission:

Labcorp Genetics (formerly Invitae), Labcorp
Classification: Uncertain significance for Koolen-de Vries syndrome. Last evaluated: 2024-03-22. Review status: criteria provided, single submitter. Criteria: Invitae Variant Classification Sherloc (09022015). Collection method: clinical testing. Allele origin: germline.
Comment: This sequence change replaces alanine, which is neutral and non-polar, with valine, which is neutral and non-polar, at codon 1095 of the KANSL1 protein (p.Ala1095Val). This variant is not present in population databases (gnomAD no frequency). This variant has not been reported in the literature in individuals affected with KANSL1-related conditions. Algorithms developed to predict the effect of missense changes on protein structure and function output the following: SIFT: "Not Available"; PolyPhen-2: "Benign"; Align-GVGD: "Not Available". The valine amino acid residue is found in multiple mammalian species, which suggests that this missense change does not adversely affect protein function. In summary, the available evidence is currently insufficient to determine the role of this variant in disease. Therefore, it has been classified as a Variant of Uncertain Significance.

NM_015443.4(KANSL1):c.3284C>T (p.Ala1095Val)

Gene: KANSL1 (KAT8 regulatory NSL complex subunit 1). Cytogenetic location: 17q21.31.
Variant type: single nucleotide variant.
Coding change: c.3284C>T on transcript NM_015443.4 (MANE Select); coding-DNA position 3284, C replaced by T.
Protein change: p.Ala1095Val; replaces alanine 1095 with valine.
Molecular consequence: missense variant.
Genome position (GRCh38, 1-based): chr17:46,031,510, G>A on the plus strand (C>T on the coding strand, the complement: KANSL1 is on the minus strand). VCF-style: chr17-46031510-G-A. GRCh37 (hg19) VCF-style: chr17-44108876-G-A.
Other names: c.3281C>T, p.Ala1094Val (NM_001193465.2, NM_001405856.1, NM_001405857.1 and 1 more transcripts); c.3284C>T, p.Ala1095Val (NM_001193466.2, NM_001379198.1, NM_001405854.1 and 1 more transcripts); c.3182C>T, p.Ala1061Val (NM_001405859.1, NM_001405860.1); c.3179C>T, p.Ala1060Val (NM_001405861.1); c.3152C>T, p.Ala1051Val (NM_001405872.1, NM_001405873.1, NM_001405874.1); c.3095C>T, p.Ala1032Val (NM_001405875.1, NM_001405876.1, NM_001405877.1 and 1 more transcripts); c.3092C>T, p.Ala1031Val (NM_001405879.1, NM_001405880.1); c.3047C>T, p.Ala1016Val (NM_001405881.1); and 4 more; short protein forms A672V, A1031V, A1094V, A609V, A610V, A1016V, A1032V, A1061V.
Identifiers: ClinVar variation 3669226 (VCV003669226.2).